The following is an entry in ClinVar:

ClinVar aggregate classification (germline): Uncertain significance. Review status: criteria provided, multiple submitters, no conflicts (2 of 4 stars). 2 submissions from 2 submitters: Uncertain significance (2). Last evaluated 2025-12-01.

gnomAD v4.1: 44 of 1,546,546 alleles (0.0028%); highest among the groups gnomAD compares: South Asian, 0.052%; no homozygotes.

Submissions (2):

Labcorp Genetics (formerly Invitae), Labcorp
Classification: Uncertain significance. Last evaluated: 2025-12-01. Review status: criteria provided, single submitter. Criteria: Invitae Variant Classification Sherloc (09022015). Collection method: clinical testing. Allele origin: germline.
Comment: This sequence change replaces arginine, which is basic and polar, with glycine, which is neutral and non-polar, at codon 813 of the MKL1 protein (p.Arg813Gly). This variant is present in population databases (rs575546439, gnomAD 0.06%). This variant has not been reported in the literature in individuals affected with MKL1-related conditions. ClinVar contains an entry for this variant (Variation ID: 2081088). An algorithm developed to predict the effect of missense changes on protein structure and function (PolyPhen-2) suggests that this variant is likely to be disruptive. In summary, the available evidence is currently insufficient to determine the role of this variant in disease. Therefore, it has been classified as a Variant of Uncertain Significance.

Blueprint Genetics
Classification: Uncertain significance. Last evaluated: 2021-11-02. Review status: criteria provided, single submitter. Criteria: ACMG Guidelines, 2015. Collection method: clinical testing. Allele origin: germline.

NM_020831.6(MRTFA):c.2737C>G (p.Arg913Gly)

Gene: MRTFA (myocardin related transcription factor A; minus strand). Cytogenetic location: 22q13.1.
Variant type: single nucleotide variant.
Coding change: c.2737C>G on transcript NM_020831.6 (MANE Select); coding-DNA position 2737, C replaced by G.
Protein change: p.Arg913Gly; replaces arginine 913 with glycine.
Molecular consequence: missense variant. On other transcripts: 3 prime UTR variant (1).
Genome position (GRCh38, 1-based): chr22:40,411,749, G>C on the plus strand (C>G on the coding strand, the complement: MRTFA is on the minus strand). VCF-style: chr22-40411749-G-C. GRCh37 (hg19) VCF-style: chr22-40807753-G-C.
Other names: c.2437C>G, p.Arg813Gly (NM_001282660.2); c.2587C>G, p.Arg863Gly (NM_001282661.3); c.*50C>G (NM_001282662.3); c.2542C>G, p.Arg848Gly (NM_001318139.2); short protein forms R813G, R863G, R848G, R913G.
Identifiers: ClinVar variation 2081088 (VCV002081088.5), dbSNP rs575546439, ClinGen allele CA10249223.